The following is an entry in ClinVar:

ClinVar aggregate classification (germline): Uncertain significance (1 of 4 stars; one submission).

Conditions:
Gorlin syndrome. Also called: Basal cell nevus syndrome; Nevoid Basal Cell Carcinoma Syndrome. Identifiers: Orphanet 377, MedGen C0004779, MONDO:0007187.

gnomAD v4.1: 25 of 1,613,932 alleles (0.0015%); highest among the groups gnomAD compares: Non-Finnish European, 0.0021%; no homozygotes.

Submission:

Labcorp Genetics (formerly Invitae), Labcorp
Classification: Uncertain significance for Gorlin syndrome. Last evaluated: 2025-07-24. Review status: criteria provided, single submitter. Criteria: Invitae Variant Classification Sherloc (09022015). Collection method: clinical testing. Allele origin: germline.
Comment: This sequence change replaces alanine, which is neutral and non-polar, with serine, which is neutral and polar, at codon 1177 of the PTCH2 protein (p.Ala1177Ser). This variant is present in population databases (no rsID available, gnomAD 0.002%). This variant has not been reported in the literature in individuals affected with PTCH2-related conditions. ClinVar contains an entry for this variant (Variation ID: 2776541). An algorithm developed to predict the effect of missense changes on protein structure and function (PolyPhen-2) suggests that this variant is likely to be tolerated. In summary, the available evidence is currently insufficient to determine the role of this variant in disease. Therefore, it has been classified as a Variant of Uncertain Significance.

NM_003738.5(PTCH2):c.3529G>T (p.Ala1177Ser)

Gene: PTCH2 (patched 2; minus strand). Cytogenetic location: 1p34.1.
Variant type: single nucleotide variant.
Coding change: c.3529G>T on transcript NM_003738.5 (MANE Select); coding-DNA position 3529, G replaced by T.
Protein change: p.Ala1177Ser; replaces alanine 1177 with serine.
Molecular consequence: missense variant. On other transcripts: intron variant (1).
Genome position (GRCh38, 1-based): chr1:44,822,498, C>A on the plus strand (G>T on the coding strand, the complement: PTCH2 is on the minus strand). VCF-style: chr1-44822498-C-A. GRCh37 (hg19) VCF-style: chr1-45288170-C-A.
Other names: c.3425+104G>T (NM_001166292.2); short protein forms A1177S.
Identifiers: ClinVar variation 2776541 (VCV002776541.3), dbSNP rs1416107461, ClinGen allele CA340105431.